The following is an entry in ClinVar:

NM_001267550.2(TTN):c.36514G>A (p.Glu12172Lys)

Gene: TTN (titin; minus strand). Cytogenetic location: 2q31.2.
Variant type: single nucleotide variant.
Coding change: c.36514G>A on transcript NM_001267550.2 (MANE Select); coding-DNA position 36514, G replaced by A.
Protein change: p.Glu12172Lys; replaces glutamic acid 12172 with lysine.
Molecular consequence: missense variant. On other transcripts: intron variant (5).
Genome position (GRCh38, 1-based): chr2:178,663,645, C>T on the plus strand (G>A on the coding strand, the complement: TTN is on the minus strand). VCF-style: chr2-178663645-C-T. GRCh37 (hg19) VCF-style: chr2-179528372-C-T.
Other names: c.13283-21328G>A (NM_003319.4); c.13859-21328G>A (NM_133437.4); c.13658-21328G>A (NM_133432.3); c.31484-590G>A (NM_133378.4); c.34265-590G>A (NM_001256850.1); short protein forms E12172K.
Identifiers: ClinVar variation 3361913 (VCV003361913.1).

ClinVar aggregate classification (germline): Uncertain significance (1 of 4 stars; one submission).

gnomAD v4.1: 2 of 1,613,692 alleles (0.00012%); highest among the groups gnomAD compares: Non-Finnish European, 0.00017%; no homozygotes.

Submission:

GeneDx
Classification: Uncertain significance. Last evaluated: 2023-08-03. Review status: criteria provided, single submitter. Criteria: GeneDx Variant Classification Process June 2021. Collection method: clinical testing. Allele origin: germline. Affected: yes.
Comment: Not observed at significant frequency in large population cohorts (gnomAD); Missense variant in a gene in which most reported pathogenic variants are truncating/loss of function; Has not been previously published as pathogenic or benign to our knowledge